The following is an entry in ClinVar:

ClinVar aggregate classification (germline): Uncertain significance (1 of 4 stars; one submission).

Conditions:
Cardiovascular phenotype. Identifiers: MedGen CN230736.

Submission:

Ambry Genetics
Classification: Uncertain significance for Cardiovascular phenotype. Last evaluated: 2026-06-09. Review status: criteria provided, single submitter. Criteria: Ambry Variant Classification Scheme 2023. Collection method: clinical testing. Allele origin: germline.
Comment: The p.G126V variant (also known as c.377G>T), located in coding exon 3 of the LPL gene, results from a G to T substitution at nucleotide position 377. The glycine at codon 126 is replaced by valine, an amino acid with dissimilar properties. This amino acid position is conserved. In addition, the in silico prediction for this alteration is inconclusive. Based on the available evidence, the clinical significance of this variant remains unclear.

NM_000237.3(LPL):c.377G>T (p.Gly126Val)

Gene: LPL (lipoprotein lipase; plus strand). Cytogenetic location: 8p21.3.
Variant type: single nucleotide variant.
Coding change: c.377G>T on transcript NM_000237.3 (MANE Select); coding-DNA position 377, G replaced by T.
Protein change: p.Gly126Val; replaces glycine 126 with valine.
Molecular consequence: missense variant.
Genome position (GRCh38, 1-based): chr8:19,951,896, G>T. VCF-style: chr8-19951896-G-T. GRCh37 (hg19) VCF-style: chr8-19809407-G-T.
Other names: short protein forms G126V.
Identifiers: ClinVar variation 4859256 (VCV004859256.1).